The following is an entry in ClinVar:

ClinVar aggregate classification (germline): Uncertain significance (1 of 4 stars; one submission).

Submission:

Labcorp Genetics (formerly Invitae), Labcorp
Classification: Uncertain significance. Last evaluated: 2022-07-05. Review status: criteria provided, single submitter. Criteria: Invitae Variant Classification Sherloc (09022015). Collection method: clinical testing. Allele origin: germline.
Comment: In summary, the available evidence is currently insufficient to determine the role of this variant in disease. Therefore, it has been classified as a Variant of Uncertain Significance. Algorithms developed to predict the effect of missense changes on protein structure and function are either unavailable or do not agree on the potential impact of this missense change (SIFT: "Deleterious"; PolyPhen-2: "Possibly Damaging"; Align-GVGD: "Class C0"). ClinVar contains an entry for this variant (Variation ID: 1492952). This variant has not been reported in the literature in individuals affected with RBP3-related conditions. This variant is not present in population databases (gnomAD no frequency). This sequence change replaces alanine, which is neutral and non-polar, with valine, which is neutral and non-polar, at codon 652 of the RBP3 protein (p.Ala652Val).

NM_002900.3(RBP3):c.1955C>T (p.Ala652Val)

Gene: RBP3 (retinol binding protein 3; plus strand). Cytogenetic location: 10q11.22.
Variant type: single nucleotide variant.
Coding change: c.1955C>T on transcript NM_002900.3 (MANE Select); coding-DNA position 1955, C replaced by T.
Protein change: p.Ala652Val; replaces alanine 652 with valine.
Molecular consequence: missense variant.
Genome position (GRCh38, 1-based): chr10:47,350,439, C>T. VCF-style: chr10-47350439-C-T. GRCh37 (hg19) VCF-style: chr10-48388923-G-A.
Other names: short protein forms A652V.
Identifiers: ClinVar variation 1492952 (VCV001492952.6), dbSNP rs782498848, ClinGen allele CA206464070.